The following is an entry in ClinVar:

ClinVar aggregate classification (germline): Uncertain significance (1 of 4 stars; one submission).

Conditions:
Hereditary cancer-predisposing syndrome. Also called: Tumor predisposition; Hereditary neoplastic syndrome; Neoplastic Syndromes, Hereditary; Hereditary Cancer Syndrome. Identifiers: Orphanet 140162, MedGen C0027672, MeSH D009386, MONDO:0015356.

Submission:

Labcorp Genetics (formerly Invitae), Labcorp
Classification: Uncertain significance for Hereditary cancer-predisposing syndrome. Last evaluated: 2019-01-10. Review status: criteria provided, single submitter. Criteria: Invitae Variant Classification Sherloc (09022015). Collection method: clinical testing. Allele origin: germline.
Comment: In summary, the available evidence is currently insufficient to determine the role of this variant in disease. Therefore, it has been classified as a Variant of Uncertain Significance. Algorithms developed to predict the effect of missense changes on protein structure and function (SIFT, PolyPhen-2, Align-GVGD) all suggest that this variant is likely to be tolerated, but these predictions have not been confirmed by published functional studies and their clinical significance is uncertain. This variant has not been reported in the literature in individuals with RAD50-related conditions. This variant is not present in population databases (ExAC no frequency). This sequence change replaces glutamine with leucine at codon 589 of the RAD50 protein (p.Gln589Leu). The glutamine residue is moderately conserved and there is a moderate physicochemical difference between glutamine and leucine.

NM_005732.4(RAD50):c.1766A>T (p.Gln589Leu)

Gene: RAD50 (RAD50 double strand break repair protein; plus strand). Cytogenetic location: 5q31.1.
Variant type: single nucleotide variant.
Coding change: c.1766A>T on transcript NM_005732.4 (MANE Select); coding-DNA position 1766, A replaced by T.
Protein change: p.Gln589Leu; replaces glutamine 589 with leucine.
Molecular consequence: missense variant.
Genome position (GRCh38, 1-based): chr5:132,592,007, A>T. VCF-style: chr5-132592007-A-T. GRCh37 (hg19) VCF-style: chr5-131927699-A-T.
Other names: short protein forms Q589L.
Identifiers: ClinVar variation 844645 (VCV000844645.10), dbSNP rs1338200174, ClinGen allele CA360946710.